The following is an entry in ClinVar:

ClinVar aggregate classification (germline): Pathogenic (1 of 4 stars; one submission).

Conditions:
Seizures, benign familial infantile, 3 (BFIS3). Also called: Familial neonatal seizures; CONVULSIONS, BENIGN FAMILIAL INFANTILE, 3. Identifiers: Orphanet 140927, Orphanet 306, MedGen C1843140, MONDO:0011904, OMIM 607745.
Developmental and epileptic encephalopathy, 11 (DEE11). Also called: Early infantile epileptic encephalopathy 11. Identifiers: Orphanet 1934, MedGen C3150987, MONDO:0013388, OMIM 613721.

Submission:

Labcorp Genetics (formerly Invitae), Labcorp
Classification: Pathogenic for Seizures, benign familial infantile, 3; Developmental and epileptic encephalopathy, 11. Last evaluated: 2020-10-09. Review status: criteria provided, single submitter. Criteria: Invitae Variant Classification Sherloc (09022015). Collection method: clinical testing. Allele origin: germline.
Comment: For these reasons, this variant has been classified as Pathogenic. Loss-of-function variants in SCN2A are known to be pathogenic (PMID: 22495306, 23020937, 24650168). This variant has not been reported in the literature in individuals with SCN2A-related conditions. This variant is not present in population databases (ExAC no frequency). This sequence change creates a premature translational stop signal (p.Glu500Serfs*2) in the SCN2A gene. It is expected to result in an absent or disrupted protein product.

Literature cited by the submitters: PubMed 22495306; PubMed 23020937; PubMed 24650168.

NM_001040142.2(SCN2A):c.1497del (p.Glu500fs)

Gene: SCN2A (sodium voltage-gated channel alpha subunit 2; plus strand). Cytogenetic location: 2q24.3.
Variant type: Deletion.
Coding change: c.1497del on transcript NM_001040142.2 (MANE Select); coding-DNA position 1497, one base deleted (A; older notation c.1497delA).
Protein change: p.Glu500fs; shifts the reading frame from glutamic acid 500.
Molecular consequence: frameshift variant.
Genome position (GRCh38, 1-based): chr2:165,315,584, A deleted; the last of 5 consecutive A bases (chr2:165,315,580-165,315,584); deleting any one gives the same sequence. VCF-style (leftmost placement, unchanged base first): chr2-165315579-GA-G. GRCh37 (hg19) VCF-style: chr2-166172089-GA-G.
Other names: c.1497del, p.Glu500fs (NM_001040143.2, NM_001371246.1, NM_001371247.1 and 1 more transcripts); short protein forms E500fs.
Identifiers: ClinVar variation 1071677 (VCV001071677.7), dbSNP rs2105259788, ClinGen allele CA2499215157.